The following is an entry in ClinVar:

NM_000313.4(PROS1):c.995A>G (p.Tyr332Cys)

Gene: PROS1 (protein S; minus strand). Cytogenetic location: 3q11.1.
Variant type: single nucleotide variant.
Coding change: c.995A>G on transcript NM_000313.4 (MANE Select); coding-DNA position 995, A replaced by G.
Protein change: p.Tyr332Cys; replaces tyrosine 332 with cysteine.
Molecular consequence: missense variant.
Genome position (GRCh38, 1-based): chr3:93,893,093, T>C on the plus strand (A>G on the coding strand, the complement: PROS1 is on the minus strand). VCF-style: chr3-93893093-T-C. GRCh37 (hg19) VCF-style: chr3-93611937-T-C.
Other names: c.1091A>G, p.Tyr364Cys (NM_001314077.2); short protein forms Y332C, Y364C.
Identifiers: ClinVar variation 4529450 (VCV004529450.1).

ClinVar aggregate classification (germline): Uncertain significance (0 of 4 stars; one submission).

Conditions:
Thrombophilia due to protein S deficiency, autosomal dominant (THPH5). Identifiers: Orphanet 26349, Orphanet 743, MedGen C3278211, MONDO:0012868, OMIM 612336. Disease mechanism: loss of function.

Submission:

Department of Transfusion Medicine and Hemostaseology, University Hospital Erlangen
Classification: Uncertain significance for Thrombophilia due to protein S deficiency, autosomal dominant. Last evaluated: 2025-09-01. Review status: no assertion criteria provided. Collection method: clinical testing. Allele origin: germline.
Comment: This variant was identified during a screening of patients with suspected hereditary Protein S deficiency. It has been insufficiently described in the literature (PMID: 26466767) and has not been characterized in vitro. No allele frequency is reported in dbSNP. While PolyPhen-2 classifies this variant as likely pathogenic, it is classified as of uncertain significance by SIFT and AlphaMissense. Taken together, we classified this variant as of uncertain significance.

Literature cited by the submitters: PubMed 26466767.